The following is an entry in ClinVar:

NM_005751.5(AKAP9):c.2498A>G (p.Lys833Arg)

Gene: AKAP9 (A-kinase anchoring protein 9; plus strand). Cytogenetic location: 7q21.2.
Variant type: single nucleotide variant.
Coding change: c.2498A>G on transcript NM_005751.5 (MANE Select); coding-DNA position 2498, A replaced by G.
Protein change: p.Lys833Arg; replaces lysine 833 with arginine.
Molecular consequence: missense variant.
Genome position (GRCh38, 1-based): chr7:92,002,415, A>G. VCF-style: chr7-92002415-A-G. GRCh37 (hg19) VCF-style: chr7-91631729-A-G.
Other names: c.2498A>G, p.Lys833Arg (NM_147185.3); short protein forms K833R.
Identifiers: ClinVar variation 5034104 (VCV005034104.1).

ClinVar aggregate classification (germline): Uncertain significance (1 of 4 stars; one submission).

Conditions:
Cardiovascular phenotype. Identifiers: MedGen CN230736.

gnomAD v4.1: 9 of 1,610,106 alleles (0.00056%); highest among the groups gnomAD compares: South Asian, 0.0022%; no homozygotes.

Submission:

Ambry Genetics
Classification: Uncertain significance for Cardiovascular phenotype. Last evaluated: 2026-08-19. Review status: criteria provided, single submitter. Criteria: Ambry Variant Classification Scheme 2023. Collection method: clinical testing. Allele origin: germline.
Comment: The p.K833R variant (also known as c.2498A>G), located in coding exon 8 of the AKAP9 gene, results from an A to G substitution at nucleotide position 2498. The lysine at codon 833 is replaced by arginine, an amino acid with highly similar properties. This amino acid position is conserved. In addition, this alteration is predicted to be tolerated by in silico analysis. Based on the available evidence, the clinical significance of this variant remains unclear.